The following is an entry in ClinVar:

NM_006514.4(SCN10A):c.5144A>C (p.Asn1715Thr)

Gene: SCN10A (sodium voltage-gated channel alpha subunit 10; minus strand). Cytogenetic location: 3p22.2.
Variant type: single nucleotide variant.
Coding change: c.5144A>C on transcript NM_006514.4 (MANE Select); coding-DNA position 5144, A replaced by C.
Protein change: p.Asn1715Thr; replaces asparagine 1715 with threonine.
Molecular consequence: missense variant.
Genome position (GRCh38, 1-based): chr3:38,698,076, T>G on the plus strand (A>C on the coding strand, the complement: SCN10A is on the minus strand). VCF-style: chr3-38698076-T-G. GRCh37 (hg19) VCF-style: chr3-38739567-T-G.
Other names: c.5141A>C, p.Asn1714Thr (NM_001293306.2); c.4850A>C, p.Asn1617Thr (NM_001293307.2); short protein forms N1715T, N1617T, N1714T.
Identifiers: ClinVar variation 532109 (VCV000532109.8), dbSNP rs777258179, ClinGen allele CA2319730.
Genomic context (GRCh38, chr3:38,698,076, plus strand): 5'-GGCTCAGTGCTCTCCTCCGTGGCCACATTGAAGTTCTCCAGAATCACTGCAATGTACATG[T>G]TGACCATGATGAGGAAGGAGATGATGATGTAGGTGGTGAAGAAGATGATGCCTACGGCTG-3'
Protein context (NP_006505.4, residues 1705-1725): YIIISFLIMV[Asn1715Thr]MYIAVILENF

ClinVar aggregate classification (germline): Conflicting classifications of pathogenicity. Review status: criteria provided, conflicting classifications (1 of 4 stars). 3 submissions from 3 submitters: Uncertain significance (2); Likely benign (1). Last evaluated 2022-04-09.

Conditions:
Cardiovascular phenotype. Identifiers: MedGen CN230736.
Brugada syndrome. Also called: Sudden unexpected nocturnal death syndrome; Sudden unexplained nocturnal death syndrome; Sudden Unexplained Death Syndrome; Sudden Unexplained Nocturnal Death Syndrome (SUNDS). Identifiers: Orphanet 130, MedGen C1142166, MONDO:0015263.

Allele frequency attached by ClinVar (database versions not stated): ExAC 0.00001; gnomAD exomes 0.00002 and 0.00003; TOPMed 0.00003; gnomAD 0.00005.

Submissions (3):

Labcorp Genetics (formerly Invitae), Labcorp
Classification: Uncertain significance for Brugada syndrome. Last evaluated: 2022-04-09. Review status: criteria provided, single submitter. Criteria: Invitae Variant Classification Sherloc (09022015). Collection method: clinical testing. Allele origin: germline.
Comment: This sequence change replaces asparagine, which is neutral and polar, with threonine, which is neutral and polar, at codon 1715 of the SCN10A protein (p.Asn1715Thr). This variant is present in population databases (rs777258179, gnomAD 0.08%). This missense change has been observed in individual(s) with Brugada syndrome (PMID: 24998131, 28407228). ClinVar contains an entry for this variant (Variation ID: 532109). Advanced modeling of protein sequence and biophysical properties (such as structural, functional, and spatial information, amino acid conservation, physicochemical variation, residue mobility, and thermodynamic stability) performed at Invitae indicates that this missense variant is expected to disrupt SCN10A protein function. In summary, the available evidence is currently insufficient to determine the role of this variant in disease. Therefore, it has been classified as a Variant of Uncertain Significance.

GeneDx
Classification: Uncertain significance. Last evaluated: 2022-03-30. Review status: criteria provided, single submitter. Criteria: GeneDx Variant Classification Process June 2021. Collection method: clinical testing. Allele origin: germline. Affected: yes.
Comment: In silico analysis supports that this missense variant has a deleterious effect on protein structure/function; This variant is associated with the following publications: (PMID: 28407228, 24998131, 30821013)

Ambry Genetics
Classification: Likely benign for Cardiovascular phenotype. Last evaluated: 2021-08-20. Review status: criteria provided, single submitter. Criteria: Ambry Variant Classification Scheme 2023. Collection method: clinical testing. Allele origin: germline.

Literature cited by the submitters: PubMed 24998131 (cited by Labcorp Genetics (formerly Invitae), Labcorp); PubMed 28407228 (cited by Labcorp Genetics (formerly Invitae), Labcorp).